The following is an entry in ClinVar:

NM_017849.4(TMEM127):c.282G>C (p.Arg94=)

Gene: TMEM127 (transmembrane protein 127; minus strand). Cytogenetic location: 2q11.2.
Variant type: single nucleotide variant.
Coding change: c.282G>C on transcript NM_017849.4 (MANE Select); coding-DNA position 282, G replaced by C.
Protein change: p.Arg94=; no amino-acid change (arginine 94 retained).
Molecular consequence: synonymous variant.
Genome position (GRCh38, 1-based): chr2:96,254,960, C>G on the plus strand (G>C on the coding strand, the complement: TMEM127 is on the minus strand). VCF-style: chr2-96254960-C-G. GRCh37 (hg19) VCF-style: chr2-96920698-C-G.
Other names: c.30G>C, p.Arg10= (NM_001407283.1, NM_001407282.1); c.282G>C, p.Arg94= (NM_001193304.3).
Identifiers: ClinVar variation 5042146 (VCV005042146.1).

ClinVar aggregate classification (germline): Benign (1 of 4 stars; one submission).

Conditions:
Hereditary pheochromocytoma and paraganglioma. Also called: Hereditary Paraganglioma-Pheochromocytoma Syndromes; Hereditary paragangliomas and pheochromocytomas; Hereditary pheochromocytoma-paraganglioma. Identifiers: Orphanet 29072, MedGen C4274332, MONDO:0017366.

Submission:

Myriad Genetics, Inc.
Classification: Benign for Hereditary pheochromocytoma and paraganglioma. Last evaluated: 2026-07-29. Review status: criteria provided, single submitter. Criteria: Myriad Autosomal Dominant, Autosomal Recessive and X-Linked Classification Criteria (2023). Collection method: clinical testing. Allele origin: unknown.
Comment: This variant is considered benign. This variant is a silent/synonymous amino acid change and it is not expected to impact splicing.